The following is an entry in ClinVar:

ClinVar aggregate classification (germline): Uncertain significance (1 of 4 stars; one submission).

Conditions:
Mitochondrial hypertrophic cardiomyopathy with lactic acidosis due to MTO1 deficiency. Also called: CARDIOMYOPATHY, INFANTILE HYPERTROPHIC MITOCHONDRIAL, AND LACTIC ACIDOSIS; Combined oxidative phosphorylation deficiency 10. Identifiers: Orphanet 314637, MedGen C4749921, MONDO:0013865, OMIM 614702.

Allele frequency attached by ClinVar (database versions not stated): ExAC 0.00001.
gnomAD v4.1: 13 of 1,612,046 alleles (0.00081%); highest among the groups gnomAD compares: Middle Eastern, 0.018%; no homozygotes.

Submission:

Labcorp Genetics (formerly Invitae), Labcorp
Classification: Uncertain significance for Mitochondrial hypertrophic cardiomyopathy with lactic acidosis due to MTO1 deficiency. Last evaluated: 2023-11-27. Review status: criteria provided, single submitter. Criteria: Invitae Variant Classification Sherloc (09022015). Collection method: clinical testing. Allele origin: germline.
Comment: This sequence change replaces alanine, which is neutral and non-polar, with threonine, which is neutral and polar, at codon 493 of the MTO1 protein (p.Ala493Thr). This variant is present in population databases (rs780923379, gnomAD 0.003%). This variant has not been reported in the literature in individuals affected with MTO1-related conditions. ClinVar contains an entry for this variant (Variation ID: 2030576). Advanced modeling of protein sequence and biophysical properties (such as structural, functional, and spatial information, amino acid conservation, physicochemical variation, residue mobility, and thermodynamic stability) performed at Invitae indicates that this missense variant is not expected to disrupt MTO1 protein function with a negative predictive value of 95%. In summary, the available evidence is currently insufficient to determine the role of this variant in disease. Therefore, it has been classified as a Variant of Uncertain Significance.

NM_012123.4(MTO1):c.1477G>A (p.Ala493Thr)

Gene: MTO1 (mitochondrial tRNA translation optimization 1; plus strand). Cytogenetic location: 6q13.
Variant type: single nucleotide variant.
Coding change: c.1477G>A on transcript NM_012123.4 (MANE Select); coding-DNA position 1477, G replaced by A.
Protein change: p.Ala493Thr; replaces alanine 493 with threonine.
Molecular consequence: missense variant.
Genome position (GRCh38, 1-based): chr6:73,482,460, G>A. VCF-style: chr6-73482460-G-A. GRCh37 (hg19) VCF-style: chr6-74192183-G-A.
Other names: c.1597G>A, p.Ala533Thr (NM_001123226.2); c.1552G>A, p.Ala518Thr (NM_133645.3); short protein forms A518T, A533T, A493T.
Identifiers: ClinVar variation 2030576 (VCV002030576.3), dbSNP rs780923379, ClinGen allele CA3889667.